The following is an entry in ClinVar:

NM_001271049.2(CFAP221):c.1484del (p.Lys495fs)

Gene: CFAP221 (cilia and flagella associated protein 221; plus strand). Cytogenetic location: 2q14.2.
Variant type: Deletion.
Coding change: c.1484del on transcript NM_001271049.2 (MANE Select); coding-DNA position 1484, one base deleted (A; older notation c.1484delA).
Protein change: p.Lys495fs; shifts the reading frame from lysine 495.
Molecular consequence: frameshift variant. On other transcripts: non-coding transcript variant (2).
Genome position (GRCh38, 1-based): chr2:119,625,656, A deleted; the last of 3 consecutive A bases (chr2:119,625,654-119,625,656); deleting any one gives the same sequence. VCF-style (leftmost placement, unchanged base first): chr2-119625653-GA-G. GRCh37 (hg19) VCF-style: chr2-120383229-GA-G.
Other names: short protein forms K495fs.
Identifiers: ClinVar variation 4880112 (VCV004880112.1).

ClinVar aggregate classification (germline): Likely pathogenic (1 of 4 stars; one submission).

Conditions:
Primary ciliary dyskinesia. Also called: Ciliary dyskinesia. Identifiers: Orphanet 244, MedGen C0008780, MONDO:0016575, HP:0012265.

Submission:

Department of Human Genetics, Hannover Medical School
Classification: Likely pathogenic for Primary Ciliary Dyskinesia. Last evaluated: 2026-04-01. Review status: criteria provided, single submitter. Criteria: ACMG Guidelines, 2015. Collection method: research. Allele origin: germline. Affected: no.
Comment: Classification performed by HerediClassify using the following criteria:['PM2_supporting: Variant occures does not occur as homozygous in gnomAD.', 'PVS1_protein_very_strong: Transcript ENST00000413369 is predicted to undergo NMD. ']